The following is an entry in ClinVar:

ClinVar aggregate classification (germline): Uncertain significance. Review status: criteria provided, multiple submitters, no conflicts (2 of 4 stars). 4 submissions from 4 submitters: Uncertain significance (4). Last evaluated 2025-10-15.

Conditions:
Inborn genetic diseases. Identifiers: MedGen C0950123, MeSH D030342.
Developmental and epileptic encephalopathy 98. Identifiers: MedGen C5562017, MONDO:0030472, OMIM 619605.
Familial hemiplegic migraine. Identifiers: MedGen C0338484, MONDO:0000700.

Allele frequency attached by ClinVar (database versions not stated): TOPMed below 0.00001; gnomAD 0.00001; gnomAD exomes 0.00001.
gnomAD v4.1: 14 of 1,614,068 alleles (0.00087%); highest among the groups gnomAD compares: Admixed American, 0.005%; no homozygotes.

Submissions (4):

OLLIN Analises Genomicas, OLLIN
Classification: Uncertain significance for Developmental and epileptic encephalopathy 98. Last evaluated: 2025-10-15. Review status: criteria provided, single submitter. Criteria: ACMG Guidelines 2015 PMID 25741868. Collection method: clinical testing. Allele origin: germline. Affected: yes. Observed: 1 variant allele.
Comment: The missense variant (chr1:160135438C>A), located in exon 16 (of 23), is reported in ClinVar (VCV001052245.10) and gnomAD v4.1 non-UKB with an allele frequency of 0.0017%. However, to our knowledge, this variant has not been reported in the scientific literature. In silico analysis predicts that this variant has a deleterious effect and this gene shows low tolerance to missense variantion. According to the currently available evidence, this variant has been classified as of uncertain significance (VUS) (PM2_P, PP2, PP3_M).

Labcorp Genetics (formerly Invitae), Labcorp
Classification: Uncertain significance for Familial hemiplegic migraine. Last evaluated: 2025-06-22. Review status: criteria provided, single submitter. Criteria: Invitae Variant Classification Sherloc (09022015). Collection method: clinical testing. Allele origin: germline.
Comment: This sequence change replaces alanine, which is neutral and non-polar, with aspartic acid, which is acidic and polar, at codon 707 of the ATP1A2 protein (p.Ala707Asp). This variant is present in population databases (no rsID available, gnomAD 0.003%). This variant has not been reported in the literature in individuals affected with ATP1A2-related conditions. ClinVar contains an entry for this variant (Variation ID: 1052245). Invitae Evidence Modeling of protein sequence and biophysical properties (such as structural, functional, and spatial information, amino acid conservation, physicochemical variation, residue mobility, and thermodynamic stability) indicates that this missense variant is not expected to disrupt ATP1A2 protein function with a negative predictive value of 80%. In summary, the available evidence is currently insufficient to determine the role of this variant in disease. Therefore, it has been classified as a Variant of Uncertain Significance.

Ambry Genetics
Classification: Uncertain significance for Inborn genetic diseases. Last evaluated: 2023-12-22. Review status: criteria provided, single submitter. Criteria: Ambry Variant Classification Scheme 2023. Collection method: clinical testing. Allele origin: germline.

GeneDx
Classification: Uncertain significance. Last evaluated: 2023-08-03. Review status: criteria provided, single submitter. Criteria: GeneDx Variant Classification Process June 2021. Collection method: clinical testing. Allele origin: germline. Affected: yes.
Comment: Not observed at significant frequency in large population cohorts (gnomAD); In silico analysis supports that this missense variant has a deleterious effect on protein structure/function; Has not been previously published as pathogenic or benign to our knowledge; This variant is associated with the following publications: (PMID: 18184292)

NM_000702.4(ATP1A2):c.2120C>A (p.Ala707Asp)

Gene: ATP1A2 (ATPase Na+/K+ transporting subunit alpha 2; plus strand). Cytogenetic location: 1q23.2.
Variant type: single nucleotide variant.
Coding change: c.2120C>A on transcript NM_000702.4 (MANE Select); coding-DNA position 2120, C replaced by A.
Protein change: p.Ala707Asp; replaces alanine 707 with aspartic acid.
Molecular consequence: missense variant.
Genome position (GRCh38, 1-based): chr1:160,135,438, C>A. VCF-style: chr1-160135438-C-A. GRCh37 (hg19) VCF-style: chr1-160105228-C-A.
Other names: c.2120C>A (NM_000702.3); short protein forms A707D.
Identifiers: ClinVar variation 1052245 (VCV001052245.11), dbSNP rs1391181719, ClinGen allele CA343248858.
Genomic context (GRCh38, chr1:160,135,438, plus strand): 5'-GAGGAGCCAGGCTTGGGAAGGGGTTTCGTCCTCAAGTGTGGCCGTCTTCCCTCCAGGGAG[C>A]CATTGTGGCCGTGACGGGTGACGGGGTGAACGACTCCCCTGCATTGAAGAAGGCTGACAT-3'
Protein context (NP_000693.1, residues 697-717): IIVEGCQRQG[Ala707Asp]IVAVTGDGVN